The following is an entry in ClinVar:

NM_001368894.2(PAX6):c.837_839del (p.Trp279_Arg280delinsTer)

Gene: PAX6 (paired box 6; minus strand). Cytogenetic location: 11p13.
Variant type: Deletion.
Coding change: c.837_839del on transcript NM_001368894.2 (MANE Select); coding-DNA positions 837 to 839, 3 bases deleted (GAG; older notation c.837_839delGAG).
Protein change: p.Trp279_Arg280delinsTer.
Molecular consequence: nonsense. On other transcripts: non-coding transcript variant (2).
Genome position (GRCh38, 1-based): chr11:31,793,771-31,793,773, CTC deleted on the plus strand (GAG on the coding strand, the reverse complement: PAX6 is on the minus strand); deleting any 3 consecutive bases within chr11:31,793,771-31,793,774 gives the same sequence; the c. name uses the placement nearest the transcript's 3' end. VCF-style (leftmost placement, unchanged base first): chr11-31793770-TCTC-T. GRCh37 (hg19) VCF-style: chr11-31815318-TCTC-T.
Other names: c.636_638del, p.Trp212_Arg213delinsTer (NM_001368924.2, NM_001368925.2, NM_001368926.2 and 4 more transcripts); c.594_596del, p.Trp198_Arg199delinsTer (NM_001368928.2); c.387_389del, p.Trp129_Arg130delinsTer (NM_001368929.2, NM_001310160.2, NM_001310161.3 and 11 more transcripts); c.192_194del, p.Trp64_Arg65delinsTer (NM_001368930.2); c.837_839del, p.Trp279_Arg280delinsTer (NM_001604.6, NM_001258462.3, NM_001258463.2 and 6 more transcripts); c.870_872del, p.Trp290_Arg291delinsTer (NM_001368920.2); c.795_797del, p.Trp265_Arg266delinsTer (NM_000280.6, NM_001127612.3, NM_001258464.2 and 10 more transcripts); c.1038_1040del, p.Trp346_Arg347delinsTer (NM_001368910.2); and 2 more.
Identifiers: ClinVar variation 4871863 (VCV004871863.1).
Genomic context (GRCh38, chr11:31,793,770, plus strand): 5'-AGGAATATGACTAGGTGTGTTGCTGGCCTGTCTTCTCTGATTCCTCAGTTTTTCTTCTCT[TCTC>T]CATTTGGCCCTTCGATTAGAAAACCATACCTGGAAATCAGGTGGGACAGGTTAGCACTGT-3'

ClinVar aggregate classification (germline): Pathogenic (1 of 4 stars; one submission).

Conditions:
Aniridia 1 (AN1). Identifiers: Orphanet 250923, MedGen C0344542, MONDO:0024507, OMIM 106210.

Submission:

Department of Ophthalmology, Graduate School of Medicine, The University of Osaka
Classification: Pathogenic for Aniridia 1. Last evaluated: 2026-07-08. Review status: criteria provided, single submitter. Criteria: ACMG Guidelines, 2015. Collection method: clinical testing. Allele origin: germline. Affected: yes. Observed: 1 variant allele.
Comment: This variant introduces a premature termination codon, predicted to result in nonsense-mediated mRNA decay and loss of function of PAX6 (PVS1).